The following is an entry in ClinVar:

NM_145068.4(TRPV3):c.1971G>A (p.Leu657=)

Gene: TRPV3 (transient receptor potential cation channel subfamily V member 3; minus strand). Cytogenetic location: 17p13.2.
Variant type: single nucleotide variant.
Coding change: c.1971G>A on transcript NM_145068.4 (MANE Select); coding-DNA position 1971, G replaced by A.
Protein change: p.Leu657=; no amino-acid change (leucine 657 retained).
Molecular consequence: synonymous variant.
Genome position (GRCh38, 1-based): chr17:3,518,690, C>T on the plus strand (G>A on the coding strand, the complement: TRPV3 is on the minus strand). VCF-style: chr17-3518690-C-T. GRCh37 (hg19) VCF-style: chr17-3421984-C-T.
Other names: c.1971G>A, p.Leu657= (NM_001258205.2).
Identifiers: ClinVar variation 740462 (VCV000740462.11), dbSNP rs749226142, ClinGen allele CA8289257.
Genomic context (GRCh38, chr17:3,518,690, plus strand): 5'-CATCAGAGCAATGAGCATGTTGAGGAGGAGAACAAAGGTGAGGATGACATAGGTGATGAG[C>T]AGGAACAGAAAGAGAATGGGATACTTGGAGTTCTGCTGGATGTTCAGGTCACCCAGGCCT-3'
Protein context (NP_659505.1, residues 647-667): NSKYPILFLF[Leu657=]LITYVILTFV

ClinVar aggregate classification (germline): Conflicting classifications of pathogenicity. Review status: criteria provided, conflicting classifications (1 of 4 stars). 2 submissions from 2 submitters: Uncertain significance (1); Likely benign (1). Last evaluated 2025-12-08.

Conditions:
Isolated focal non-epidermolytic palmoplantar keratoderma. Also called: Palmoplantar keratoderma, nonepidermolytic, focal 2. Identifiers: Orphanet 448264, MedGen C4225339, MONDO:0014622, OMIM 616400.

Allele frequency attached by ClinVar (database versions not stated): gnomAD 0.00001 and 0.00002; gnomAD exomes 0.00001 and 0.00002; ExAC 0.00003; TOPMed 0.00003.
gnomAD v4.1: 52 of 1,610,352 alleles (0.0032%); highest among the groups gnomAD compares: East Asian, 0.016%; 1 homozygote.

Submissions (2):

Labcorp Genetics (formerly Invitae), Labcorp
Classification: Likely benign. Last evaluated: 2025-12-08. Review status: criteria provided, single submitter. Criteria: Invitae Variant Classification Sherloc (09022015). Collection method: clinical testing. Allele origin: germline.

Illumina Laboratory Services, Illumina
Classification: Uncertain significance for Isolated focal non-epidermolytic palmoplantar keratoderma. Last evaluated: 2017-04-28. Review status: criteria provided, single submitter. Criteria: ICSL Variant Classification Criteria 13 December 2019. Collection method: clinical testing. Allele origin: germline.
Comment: This variant was observed as part of a predisposition screen in an ostensibly healthy population. A literature search was performed for the gene, cDNA change, and amino acid change (where applicable). Publications were found based on this search. However, the evidence from the literature, in combination with allele frequency data from public databases where available, was not sufficient to rule this variant in or out of causing disease. Therefore, this variant is classified as a variant of unknown significance.

Literature cited by the submitters: PubMed 21285946 (cited by Illumina Laboratory Services, Illumina).